The following is an entry in ClinVar:

NM_000214.3(JAG1):c.2978C>T (p.Ser993Phe)

Gene: JAG1 (jagged canonical Notch ligand 1; minus strand). Cytogenetic location: 20p12.2.
Variant type: single nucleotide variant.
Coding change: c.2978C>T on transcript NM_000214.3 (MANE Select); coding-DNA position 2978, C replaced by T.
Protein change: p.Ser993Phe; replaces serine 993 with phenylalanine.
Molecular consequence: missense variant.
Genome position (GRCh38, 1-based): chr20:10,641,183, G>A on the plus strand (C>T on the coding strand, the complement: JAG1 is on the minus strand). VCF-style: chr20-10641183-G-A. GRCh37 (hg19) VCF-style: chr20-10621831-G-A.
Other names: short protein forms S993F.
Identifiers: ClinVar variation 1798350 (VCV001798350.2), dbSNP rs2514508409, ClinGen allele CA408244532.
Genomic context (GRCh38, chr20:10,641,183, plus strand): 5'-TGTATTTCATTGTTCGCTGAAGGGGAAGGCTCGCAAGCGATGTAGATTGAATATTCAGCG[G>A]AAACATTCTTCAAAATATTCAAATTCCTCAATTCACTGCAAATGTGCTCCGTAGTAAGAC-3'
Protein context (NP_000205.1, residues 983-1003): LRNLNILKNV[Ser993Phe]AEYSIYIACE

ClinVar aggregate classification (germline): Uncertain significance (1 of 4 stars; one submission).

Conditions:
Cardiovascular phenotype. Identifiers: MedGen CN230736.

Submission:

Ambry Genetics
Classification: Uncertain significance for Cardiovascular phenotype. Last evaluated: 2022-02-11. Review status: criteria provided, single submitter. Criteria: Ambry Variant Classification Scheme 2023. Collection method: clinical testing. Allele origin: germline.
Comment: The p.S993F variant (also known as c.2978C>T), located in coding exon 24 of the JAG1 gene, results from a C to T substitution at nucleotide position 2978. The serine at codon 993 is replaced by phenylalanine, an amino acid with highly dissimilar properties. This amino acid position is conserved. In addition, this alteration is predicted to be deleterious by in silico analysis. Since supporting evidence is limited at this time, the clinical significance of this alteration remains unclear.